The following is an entry in ClinVar:

ClinVar aggregate classification (germline): Uncertain significance (1 of 4 stars; one submission).

Allele frequency attached by ClinVar (database versions not stated): gnomAD exomes 0.00002 and 0.00003; ExAC 0.00003; gnomAD 0.00005 and 0.00006; TOPMed 0.00005.
gnomAD v4.1: 46 of 1,610,678 alleles (0.0029%); highest among the groups gnomAD compares: East Asian, 0.0045%; no homozygotes.

Submission:

Labcorp Genetics (formerly Invitae), Labcorp
Classification: Uncertain significance. Last evaluated: 2025-06-27. Review status: criteria provided, single submitter. Criteria: Invitae Variant Classification Sherloc (09022015). Collection method: clinical testing. Allele origin: germline.
Comment: This sequence change replaces arginine, which is basic and polar, with glutamine, which is neutral and polar, at codon 911 of the CACNA1E protein (p.Arg911Gln). This variant is present in population databases (rs781514358, gnomAD 0.01%). This missense change has been observed in individual(s) with clinical features of CACNA1E-related conditions (internal data). ClinVar contains an entry for this variant (Variation ID: 1386972). Invitae Evidence Modeling of protein sequence and biophysical properties (such as structural, functional, and spatial information, amino acid conservation, physicochemical variation, residue mobility, and thermodynamic stability) has been performed for this missense variant. However, the output from this modeling did not meet the statistical confidence thresholds required to predict the impact of this variant on CACNA1E protein function. In summary, the available evidence is currently insufficient to determine the role of this variant in disease. Therefore, it has been classified as a Variant of Uncertain Significance.

NM_001205293.3(CACNA1E):c.2732G>A (p.Arg911Gln)

Gene: CACNA1E (calcium voltage-gated channel subunit alpha1 E; plus strand). Cytogenetic location: 1q25.3.
Variant type: single nucleotide variant.
Coding change: c.2732G>A on transcript NM_001205293.3 (MANE Select); coding-DNA position 2732, G replaced by A.
Protein change: p.Arg911Gln; replaces arginine 911 with glutamine.
Molecular consequence: missense variant.
Genome position (GRCh38, 1-based): chr1:181,732,818, G>A. VCF-style: chr1-181732818-G-A. GRCh37 (hg19) VCF-style: chr1-181701954-G-A.
Other names: c.2732G>A, p.Arg911Gln (NM_000721.4); c.2675G>A, p.Arg892Gln (NM_001205294.2); short protein forms R892Q, R911Q.
Identifiers: ClinVar variation 1386972 (VCV001386972.8), dbSNP rs781514358, ClinGen allele CA1275386.